The following is an entry in ClinVar:

NM_001378183.1(PIEZO2):c.3953T>C (p.Ile1318Thr)

Gene: PIEZO2 (piezo type mechanosensitive ion channel component 2; minus strand). Cytogenetic location: 18p11.22.
Variant type: single nucleotide variant.
Coding change: c.3953T>C on transcript NM_001378183.1 (MANE Select); coding-DNA position 3953, T replaced by C.
Protein change: p.Ile1318Thr; replaces isoleucine 1318 with threonine.
Molecular consequence: missense variant.
Genome position (GRCh38, 1-based): chr18:10,752,850, A>G on the plus strand (T>C on the coding strand, the complement: PIEZO2 is on the minus strand). VCF-style: chr18-10752850-A-G. GRCh37 (hg19) VCF-style: chr18-10752848-A-G.
Other names: c.3953T>C, p.Ile1318Thr (NM_001410871.1); c.3878T>C, p.Ile1293Thr (NM_022068.4); c.3878T>C (NM_022068.2); short protein forms I1293T, I1318T.
Identifiers: ClinVar variation 1984143 (VCV001984143.7), dbSNP rs754312134, ClinGen allele CA296025934.

ClinVar aggregate classification (germline): Uncertain significance. Review status: criteria provided, multiple submitters, no conflicts (2 of 4 stars). 2 submissions from 2 submitters: Uncertain significance (2). Last evaluated 2025-05-30.

Conditions:
Inborn genetic diseases. Identifiers: MedGen C0950123, MeSH D030342.

Allele frequency attached by ClinVar (database versions not stated): gnomAD exomes below 0.00001; gnomAD 0.00006; TOPMed 0.00015.
gnomAD v4.1: 15 of 1,536,966 alleles (0.00098%); highest among the groups gnomAD compares: Admixed American, 0.024%; no homozygotes.

Submissions (2):

Ambry Genetics
Classification: Uncertain significance for Inborn genetic diseases. Last evaluated: 2025-05-30. Review status: criteria provided, single submitter. Criteria: Ambry Variant Classification Scheme 2023. Collection method: clinical testing. Allele origin: germline.

Labcorp Genetics (formerly Invitae), Labcorp
Classification: Uncertain significance. Last evaluated: 2022-03-19. Review status: criteria provided, single submitter. Criteria: Invitae Variant Classification Sherloc (09022015). Collection method: clinical testing. Allele origin: germline.
Comment: In summary, the available evidence is currently insufficient to determine the role of this variant in disease. Therefore, it has been classified as a Variant of Uncertain Significance. Advanced modeling of protein sequence and biophysical properties (such as structural, functional, and spatial information, amino acid conservation, physicochemical variation, residue mobility, and thermodynamic stability) performed at Invitae indicates that this missense variant is not expected to disrupt PIEZO2 protein function. This variant has not been reported in the literature in individuals affected with PIEZO2-related conditions. This variant is present in population databases (rs754312134, gnomAD 0.008%). This sequence change replaces isoleucine, which is neutral and non-polar, with threonine, which is neutral and polar, at codon 1293 of the PIEZO2 protein (p.Ile1293Thr).